The following is an entry in ClinVar:

NM_001145715.3(KPNA7):c.200C>T (p.Ala67Val)

Gene: KPNA7 (karyopherin subunit alpha 7; minus strand). Cytogenetic location: 7q22.1.
Variant type: single nucleotide variant.
Coding change: c.200C>T on transcript NM_001145715.3 (MANE Select); coding-DNA position 200, C replaced by T.
Protein change: p.Ala67Val; replaces alanine 67 with valine.
Molecular consequence: missense variant.
Genome position (GRCh38, 1-based): chr7:99,203,107, G>A on the plus strand (C>T on the coding strand, the complement: KPNA7 is on the minus strand). VCF-style: chr7-99203107-G-A. GRCh37 (hg19) VCF-style: chr7-98800730-G-A.
Other names: short protein forms A67V.
Identifiers: ClinVar variation 936920 (VCV000936920.6), dbSNP rs1484427829, ClinGen allele CA368421094.

ClinVar aggregate classification (germline): Uncertain significance (1 of 4 stars; one submission).

Allele frequency attached by ClinVar (database versions not stated): gnomAD exomes 0.00002; gnomAD 0.00003; TOPMed 0.00005.
gnomAD v4.1: 36 of 1,551,396 alleles (0.0023%); highest among the groups gnomAD compares: African/African-American, 0.0055%; no homozygotes.

Submission:

Labcorp Genetics (formerly Invitae), Labcorp
Classification: Uncertain significance. Last evaluated: 2025-09-27. Review status: criteria provided, single submitter. Criteria: Invitae Variant Classification Sherloc (09022015). Collection method: clinical testing. Allele origin: germline.
Comment: This sequence change replaces alanine, which is neutral and non-polar, with valine, which is neutral and non-polar, at codon 67 of the KPNA7 protein (p.Ala67Val). This variant is present in population databases (no rsID available, gnomAD 0.01%). This variant has not been reported in the literature in individuals affected with KPNA7-related conditions. ClinVar contains an entry for this variant (Variation ID: 936920). An algorithm developed to predict the effect of missense changes on protein structure and function (PolyPhen-2) suggests that this variant is likely to be tolerated. Algorithms developed to predict the effect of sequence changes on RNA splicing suggest that this variant may disrupt the consensus splice site. In summary, the available evidence is currently insufficient to determine the role of this variant in disease. Therefore, it has been classified as a Variant of Uncertain Significance.